The following is an entry in ClinVar:

NM_001195263.2(PDZD7):c.1672C>T (p.Arg558Trp)

Gene: PDZD7 (PDZ domain containing 7; minus strand). Cytogenetic location: 10q24.31.
Variant type: single nucleotide variant.
Coding change: c.1672C>T on transcript NM_001195263.2 (MANE Select); coding-DNA position 1672, C replaced by T.
Protein change: p.Arg558Trp; replaces arginine 558 with tryptophan.
Molecular consequence: missense variant.
Genome position (GRCh38, 1-based): chr10:101,015,713, G>A on the plus strand (C>T on the coding strand, the complement: PDZD7 is on the minus strand). VCF-style: chr10-101015713-G-A. GRCh37 (hg19) VCF-style: chr10-102775470-G-A.
Other names: c.1672C>T (NM_001195263.1); short protein forms R558W.
Identifiers: ClinVar variation 929916 (VCV000929916.13), dbSNP rs549755324, ClinGen allele CA5654045.

ClinVar aggregate classification (germline): Uncertain significance. Review status: criteria provided, multiple submitters, no conflicts (2 of 4 stars). 7 submissions from 7 submitters: Uncertain significance (4). 3 of the submissions do not count toward it. Last evaluated 2025-06-18.

Conditions:
Retinal dystrophy. Also called: Inherited retinal dystrophy. Identifiers: Orphanet 71862, MedGen C0854723, MeSH D058499, MONDO:0019118, HP:0000556.

Allele frequency attached by ClinVar (database versions not stated): gnomAD 0.00011; TOPMed 0.00011; ExAC 0.00014; gnomAD exomes 0.00014.

Submissions (7):

GeneDx
Classification: Uncertain significance. Last evaluated: 2025-06-18. Review status: criteria provided, single submitter. Criteria: GeneDx Variant Classification Process June 2021. Collection method: clinical testing. Allele origin: germline. Affected: yes.
Comment: In silico analysis supports that this missense variant does not alter protein structure/function; Has not been previously published as pathogenic or benign to our knowledge

Blueprint Genetics
Classification: Uncertain significance. Last evaluated: 2024-10-21. Review status: criteria provided, single submitter. Criteria: ACMG Guidelines, 2015. Collection method: clinical testing. Allele origin: germline.

Labcorp Genetics (formerly Invitae), Labcorp
Classification: Uncertain significance. Last evaluated: 2022-08-19. Review status: criteria provided, single submitter. Criteria: Invitae Variant Classification Sherloc (09022015). Collection method: clinical testing. Allele origin: germline.
Comment: This sequence change replaces arginine, which is basic and polar, with tryptophan, which is neutral and slightly polar, at codon 558 of the PDZD7 protein (p.Arg558Trp). This variant is present in population databases (rs549755324, gnomAD 0.02%). This variant has not been reported in the literature in individuals affected with PDZD7-related conditions. ClinVar contains an entry for this variant (Variation ID: 929916). Algorithms developed to predict the effect of missense changes on protein structure and function are either unavailable or do not agree on the potential impact of this missense change (SIFT: "Deleterious"; PolyPhen-2: "Not Available"; Align-GVGD: "Class C0"). In summary, the available evidence is currently insufficient to determine the role of this variant in disease. Therefore, it has been classified as a Variant of Uncertain Significance.

Laboratory for Molecular Medicine, Mass General Brigham Personalized Medicine
Classification: Uncertain significance. Last evaluated: 2019-05-24. Review status: criteria provided, single submitter. Criteria: LMM Criteria. Collection method: clinical testing. Allele origin: germline. Observed: 1 variant allele.
Comment: The p.Arg558Trp variant in PDZD7 has not been previously reported in individuals with hearing loss, but has been identified in 0.02% (18/69566) of European chromosomes by gnomAD. Computational prediction tools and conservation analysis do not provide strong support for or against an impact to the protein. In summary, the clinical significance of this variant is uncertain. ACMG/AMP Criteria applied: PM2_Supporting.

Institute of Human Genetics, Univ. Regensburg, Univ. Regensburg
Classification: Uncertain significance for Retinal dystrophy. Last evaluated: 2022-01-01. Review status: no assertion criteria provided. Criteria: ACMG Guidelines, 2015. Collection method: clinical testing. Allele origin: germline. Affected: yes. Not counted in ClinVar's aggregate classification.

Clinical Genetics DNA and cytogenetics Diagnostics Lab, Erasmus MC, Erasmus Medical Center
Classification: Uncertain significance. Review status: no assertion criteria provided. Collection method: clinical testing. Allele origin: germline. Affected: yes. Study: VKGL Data-share Consensus. Not counted in ClinVar's aggregate classification.

Clinical Genetics, Academic Medical Center
Classification: Uncertain significance. Review status: no assertion criteria provided. Collection method: clinical testing. Allele origin: germline. Affected: yes. Study: VKGL Data-share Consensus. Not counted in ClinVar's aggregate classification.